The following is an entry in ClinVar:

ClinVar aggregate classification (germline): Benign (1 of 4 stars; one submission).

Conditions:
Congenital Muscular Dystrophy, alpha-dystroglycan related.

Allele frequency attached by ClinVar (database versions not stated): gnomAD 0.00069 and 0.00111; TOPMed 0.00170; gnomAD exomes 0.00236; 1000 Genomes Project 30x 0.00578; 1000 Genomes Project 0.00599.

Submission:

Illumina Laboratory Services, Illumina
Classification: Benign for Congenital Muscular Dystrophy, alpha-dystroglycan related. Last evaluated: 2018-01-13. Review status: criteria provided, single submitter. Criteria: ICSL Variant Classification Criteria 13 December 2019. Collection method: clinical testing. Allele origin: germline.
Comment: This variant was observed in the ICSL laboratory as part of a predisposition screen in an ostensibly healthy population. It had not been previously curated by ICSL or reported in the Human Gene Mutation Database (HGMD: prior to June 1st, 2018), and was therefore a candidate for classification through an automated scoring system. Utilizing variant allele frequency, disease prevalence and penetrance estimates, and inheritance mode, an automated score was calculated to assess if this variant is too frequent to cause the disease. Based on the score and internal cut-off values, a variant classified as benign is not then subjected to further curation. The score for this variant resulted in a classification of benign for this disease.

NM_001101426.4(CRPPA):c.*112T>G

Gene: CRPPA (CDP-L-ribitol pyrophosphorylase A; minus strand). Cytogenetic location: 7p21.2.
Variant type: single nucleotide variant.
Coding change: c.*112T>G on transcript NM_001101426.4 (MANE Select); 112 bases downstream of the stop codon, T replaced by G.
Molecular consequence: 3 prime UTR variant. On other transcripts: non-coding transcript variant (1).
Genome position (GRCh38, 1-based): chr7:16,091,583, A>C on the plus strand (T>G on the coding strand, the complement: CRPPA is on the minus strand). VCF-style: chr7-16091583-A-C. GRCh37 (hg19) VCF-style: chr7-16131208-A-C.
Other names: c.*112T>G (NM_001101417.4, NM_001368197.1).
Identifiers: ClinVar variation 359580 (VCV000359580.5), dbSNP rs16878683, ClinGen allele CA10625685.